The following is an entry in ClinVar:

NM_000093.5(COL5A1):c.2308C>A (p.Pro770Thr)

Gene: COL5A1 (collagen type V alpha 1 chain; plus strand). Cytogenetic location: 9q34.3.
Variant type: single nucleotide variant.
Coding change: c.2308C>A on transcript NM_000093.5 (MANE Select); coding-DNA position 2308, C replaced by A.
Protein change: p.Pro770Thr; replaces proline 770 with threonine.
Molecular consequence: missense variant.
Genome position (GRCh38, 1-based): chr9:134,772,811, C>A. VCF-style: chr9-134772811-C-A. GRCh37 (hg19) VCF-style: chr9-137664657-C-A.
Other names: c.2308C>A, p.Pro770Thr (NM_001278074.1); short protein forms P770T.
Identifiers: ClinVar variation 4841623 (VCV004841623.1).

ClinVar aggregate classification (germline): Uncertain significance (1 of 4 stars; one submission).

Conditions:
Familial thoracic aortic aneurysm and aortic dissection (TAAD). Also called: Thoracic aortic aneurysms and dissections. Identifiers: Orphanet 91387, MedGen C4707243, MONDO:0019625.

Submission:

Ambry Genetics
Classification: Uncertain significance for Familial thoracic aortic aneurysm and aortic dissection. Last evaluated: 2026-01-02. Review status: criteria provided, single submitter. Criteria: Ambry Variant Classification Scheme 2023. Collection method: clinical testing. Allele origin: germline.
Comment: The p.P770T variant (also known as c.2308C>A), located in coding exon 26 of the COL5A1 gene, results from a C to A substitution at nucleotide position 2308. The proline at codon 770 is replaced by threonine, an amino acid with highly similar properties. This amino acid position is conserved. In addition, the in silico prediction for this alteration is inconclusive. Based on the available evidence, the clinical significance of this variant remains unclear.